The following is an entry in ClinVar:

NM_002303.6(LEPR):c.2674-5885A>T

Gene: LEPR (leptin receptor; plus strand). Cytogenetic location: 1p31.3.
Variant type: single nucleotide variant.
Coding change: c.2674-5885A>T on transcript NM_002303.6 (MANE Select); 5885 bases into the intron before coding-DNA position 2674, A replaced by T.
Molecular consequence: intron variant. On other transcripts: missense variant (2).
Genome position (GRCh38, 1-based): chr1:65,630,306, A>T. VCF-style: chr1-65630306-A-T. GRCh37 (hg19) VCF-style: chr1-66095989-A-T.
Other names: c.2778A>T, p.Lys926Asn (NM_001003680.3, NM_001198687.2); c.2674-2846A>T (NM_001003679.3, NM_001198689.2); short protein forms K926N.
Identifiers: ClinVar variation 4977536 (VCV004977536.1).
Genomic context (GRCh38, chr1:65,630,306, plus strand): 5'-AATCTCAAGTACCCAGGGACACAAACACTGCGGAAGGCCACAGGGTCCTCTGCATAGGAA[A>T]ACCAGAGACCTTTGTTCACTTGTTTATCTGCTGACCCTCCCTCCACTATTGTCCTATGAC-3'

ClinVar aggregate classification (germline): Uncertain significance (1 of 4 stars; one submission).

Conditions:
LEPR-related disorder. Also called: LEPR-related condition; LEPR-related disorders.

gnomAD v4.1: 2 of 264,258 alleles (0.00076%); highest among the groups gnomAD compares: Non-Finnish European, 0.0015%; no homozygotes.

Submission:

PreventionGenetics, part of Exact Sciences
Classification: Uncertain significance for LEPR-related condition. Last evaluated: 2026-07-14. Review status: criteria provided, single submitter. Criteria: ACMG Guidelines, 2015. Collection method: clinical testing. Allele origin: germline.
Comment: The LEPR c.2778A>T variant is predicted to result in the amino acid substitution p.Lys926Asn. To our knowledge, this variant has not been reported in the literature or in a large population database (gnomAD), indicating this variant is rare. At this time, the clinical significance of this variant is uncertain due to the absence of conclusive functional and genetic evidence.